The following is an entry in ClinVar:

NM_000843.4(GRM6):c.1501-1G>T

Genes: GRM6 (glutamate metabotropic receptor 6; minus strand), ZNF454 (zinc finger protein 454; plus strand). Cytogenetic location: 5q35.3.
Variant type: single nucleotide variant.
Coding change: c.1501-1G>T on transcript NM_000843.4 (MANE Select); the canonical splice acceptor site of the intron before coding-DNA position 1501, G replaced by T.
Molecular consequence: splice acceptor variant.
Genome position (GRCh38, 1-based): chr5:178,986,754, C>A on the plus strand (G>T on the coding strand, the complement: GRM6 is on the minus strand). VCF-style: chr5-178986754-C-A. GRCh37 (hg19) VCF-style: chr5-178413755-C-A.
Other names: NC_000005.9:g.178413755C>A; NP_000834.2:p.?.
Identifiers: ClinVar variation 3381795 (VCV003381795.2).

ClinVar aggregate classification (germline): Pathogenic (1 of 4 stars; one submission).

Conditions:
Retinal dystrophy. Also called: Inherited retinal dystrophy. Identifiers: Orphanet 71862, MedGen C0854723, MeSH D058499, MONDO:0019118, HP:0000556.

gnomAD v4.1: 1 of 1,608,502 alleles (0.000062%); highest among the groups gnomAD compares: South Asian, 0.0011%; no homozygotes.

Submission:

Ophthalmic Genetics Group, Institute of Molecular and Clinical Ophthalmology Basel
Classification: Pathogenic for Retinal dystrophy. Last evaluated: 2024-05-27. Review status: criteria provided, single submitter. Criteria: ACMG Guidelines, 2015. Collection method: research. Allele origin: germline. Affected: yes. Observed: 8 variant alleles.
Comment: This variant was classified as Pathogenic based on ACMG criteria: PVS1_very strong, PM2_supporting and PP1_strong

Literature cited by the submitters: PubMed 40180963.